The following is an entry in ClinVar:

ClinVar aggregate classification (germline): Uncertain significance (1 of 4 stars; one submission).

gnomAD v4.1: 4 of 1,193,782 alleles (0.00034%); highest among the groups gnomAD compares: Non-Finnish European, 0.00045%; no homozygotes.

Submission:

Women's Health and Genetics/Laboratory Corporation of America, LabCorp
Classification: Uncertain significance. Last evaluated: 2024-10-18. Review status: criteria provided, single submitter. Criteria: LabCorp Variant Classification Summary - May 2015. Collection method: clinical testing. Allele origin: germline.
Comment: Variant summary: NDP c.337G>A (p.Gly113Ser) results in a non-conservative amino acid change located in the C-terminal domain (IPR006207) of the encoded protein sequence. Four of four in-silico tools predict a damaging effect of the variant on protein function. The variant allele was found at a frequency of 3.4e-06 in 1188765 control chromosomes in the gnomAD database (v4.1 dataset), including 2 hemizygotes. The available data on variant occurrences in the general population are insufficient to allow any conclusion about variant significance. To our knowledge, no occurrence of c.337G>A in individuals affected with Atrophia bulborum hereditaria and no experimental evidence demonstrating its impact on protein function have been reported. Other missense changes affecting the same amino acid (G113A/D) have been reported in association with Familial exudative vitreoretinopathy (HGMD), indicating that this residue might be functionally important. No submitters have cited clinical-significance assessments for this variant to ClinVar. Based on the evidence outlined above, the variant was classified as uncertain significance.

NM_000266.4(NDP):c.337G>A (p.Gly113Ser)

Genes: NDP (norrin cystine knot growth factor NDP; minus strand), NDP-AS1 (NDP antisense RNA 1; plus strand). Cytogenetic location: Xp11.3.
Variant type: single nucleotide variant.
Coding change: c.337G>A on transcript NM_000266.4 (MANE Select); coding-DNA position 337, G replaced by A.
Protein change: p.Gly113Ser; replaces glycine 113 with serine.
Molecular consequence: missense variant. On other transcripts: non-coding transcript variant (1).
Genome position (GRCh38, 1-based): chrX:43,949,864, C>T on the plus strand (G>A on the coding strand, the complement: NDP is on the minus strand). VCF-style: chrX-43949864-C-T. GRCh37 (hg19) VCF-style: chrX-43809110-C-T.
Other names: short protein forms G113S.
Identifiers: ClinVar variation 3385203 (VCV003385203.1).
Genomic context (GRCh38, chrX:43,949,864, plus strand): 5'-AATTGCATTCCTCGCAGTGACAGGAGAGGATGTACCGGTAGGTGGCAGTGAGTCGCATGC[C>T]CCCTGAGCATCGCAGCCGCAGTGCCTTCAGCTTGGAAGTCTGGGGCCGGCAGCAGTGACA-3'
Protein context (NP_000257.1, residues 103-123): LKALRLRCSG[Gly113Ser]MRLTATYRYI